The following is an entry in ClinVar:

ClinVar aggregate classification (germline): Likely pathogenic (1 of 4 stars; one submission).

Conditions:
Cardiovascular phenotype. Identifiers: MedGen CN230736.

Submission:

Ambry Genetics
Classification: Likely pathogenic for Cardiovascular phenotype. Last evaluated: 2024-10-16. Review status: criteria provided, single submitter. Criteria: Ambry Variant Classification Scheme 2023. Collection method: clinical testing. Allele origin: germline.
Comment: The c.51766_51769delCACT variant, located in coding exon 153 of the TTN gene, results from a deletion of 4 nucleotides at nucleotide positions 51766 to 51769, causing a translational frameshift with a predicted alternate stop codon (p.H17256Mfs*21). This exon is located in the A-band region of the N2-B isoform of the titin protein and is constitutively expressed in TTN transcripts (percent spliced in or PSI 100%). This variant is considered to be rare based on population cohorts in the Genome Aggregation Database (gnomAD). This alteration is expected to result in loss of function by premature protein truncation or nonsense-mediated mRNA decay. While truncating variants in TTN are present in 1-3% of the general population, truncating variants in the A-band are the most common cause of dilated cardiomyopathy (DCM) (Herman DS et al. N. Engl. J. Med., 2012 Feb;366:619-28; Roberts AM et al. Sci Transl Med, 2015 Jan;7:270ra6). TTN truncating variants encoded in constitutive exons (PSI >90%) have been found to be significantly associated with DCM regardless of their position in titin (Schafer S et al. Nat. Genet., 2017 01;49:46-53). Based on the majority of available evidence to date, this variant is likely to be pathogenic.

NM_001267550.2(TTN):c.78961_78964del (p.His26321fs)

Genes: TTN (titin; minus strand), TTN-AS1 (TTN antisense RNA 1; plus strand). Cytogenetic location: 2q31.2.
Variant type: Deletion.
Coding change: c.78961_78964del on transcript NM_001267550.2 (MANE Select); coding-DNA positions 78961 to 78964, 4 bases deleted (CACT; older notation c.78961_78964delCACT).
Protein change: p.His26321fs; shifts the reading frame from histidine 26321.
Molecular consequence: frameshift variant.
Genome position (GRCh38, 1-based): chr2:178,567,168-178,567,171, AGTG deleted on the plus strand (CACT on the coding strand, the reverse complement: TTN is on the minus strand); deleting any 4 consecutive bases within chr2:178,567,168-178,567,173 gives the same sequence; the c. name uses the placement nearest the transcript's 3' end. VCF-style (leftmost placement, unchanged base first): chr2-178567167-TAGTG-T. GRCh37 (hg19) VCF-style: chr2-179431894-TAGTG-T.
Other names: c.74038_74041del, p.His24680fs (NM_001256850.1); c.51766_51769del, p.His17256fs (NM_003319.4); c.71257_71260del, p.His23753fs (NM_133378.4); c.52141_52144del, p.His17381fs (NM_133432.3); c.52342_52345del, p.His17448fs (NM_133437.4); c.51766_51769delCACT (NM_003319.4); short protein forms H17381fs, H26321fs, H17448fs, H23753fs, H17256fs, H24680fs.
Identifiers: ClinVar variation 3463801 (VCV003463801.1).